The following is an entry in ClinVar:

NM_006445.4(PRPF8):c.4150C>T (p.Arg1384Trp)

Gene: PRPF8 (pre-mRNA processing factor 8; minus strand). Cytogenetic location: 17p13.3.
Variant type: single nucleotide variant.
Coding change: c.4150C>T on transcript NM_006445.4 (MANE Select); coding-DNA position 4150, C replaced by T.
Protein change: p.Arg1384Trp; replaces arginine 1384 with tryptophan.
Molecular consequence: missense variant.
Genome position (GRCh38, 1-based): chr17:1,661,663, G>A on the plus strand (C>T on the coding strand, the complement: PRPF8 is on the minus strand). VCF-style: chr17-1661663-G-A. GRCh37 (hg19) VCF-style: chr17-1564957-G-A.
Other names: short protein forms R1384W.
Identifiers: ClinVar variation 953308 (VCV000953308.7), dbSNP rs1911684227, ClinGen allele CA397577741.
Genomic context (GRCh38, chr17:1,661,663, plus strand): 5'-GTGCCCACCTGTTCTGAGCAATGGCCTCTTGCCTCTTGAGTGCGTACTCAGCCCAGACCC[G>A]CTGAGAATCAATGAACTCGCTCTCCCATGGCTGTATGTAGCGGTACAAGTTGGGAATGAG-3'
Protein context (NP_006436.3, residues 1374-1394): PWESEFIDSQ[Arg1384Trp]VWAEYALKRQ

ClinVar aggregate classification (germline): Uncertain significance (1 of 4 stars; one submission).

Allele frequency attached by ClinVar (database versions not stated): gnomAD exomes below 0.00001.
gnomAD v4.1: 2 of 1,614,010 alleles (0.00012%); highest among the groups gnomAD compares: Non-Finnish European, 0.00017%; no homozygotes.

Submission:

Labcorp Genetics (formerly Invitae), Labcorp
Classification: Uncertain significance. Last evaluated: 2024-10-28. Review status: criteria provided, single submitter. Criteria: Invitae Variant Classification Sherloc (09022015). Collection method: clinical testing. Allele origin: germline.
Comment: This sequence change replaces arginine, which is basic and polar, with tryptophan, which is neutral and slightly polar, at codon 1384 of the PRPF8 protein (p.Arg1384Trp). This variant is not present in population databases (gnomAD no frequency). This missense change has been observed in individual(s) with retinitis pigmentosa (PMID: 33598457). ClinVar contains an entry for this variant (Variation ID: 953308). Invitae Evidence Modeling of protein sequence and biophysical properties (such as structural, functional, and spatial information, amino acid conservation, physicochemical variation, residue mobility, and thermodynamic stability) indicates that this missense variant is expected to disrupt PRPF8 protein function with a positive predictive value of 80%. In summary, the available evidence is currently insufficient to determine the role of this variant in disease. Therefore, it has been classified as a Variant of Uncertain Significance.

Literature cited by the submitters: PubMed 33598457.